The following is an entry in ClinVar:

ClinVar aggregate classification (germline): Likely pathogenic (1 of 4 stars; one submission).

Conditions:
Clark-Baraitser syndrome. Also called: BARAITSER SYNDROME; Mental retardation, tall stature, obesity, macrocephaly and typical facial features; MENTAL RETARDATION, AUTOSOMAL DOMINANT 49; Intellectual disability, autosomal dominant 49. Identifiers: Orphanet 600731, MedGen C2931130, MONDO:0030914, OMIM 617752.

Submission:

3billion
Classification: Likely pathogenic for Clark-Baraitser syndrome. Last evaluated: 2025-07-30. Review status: criteria provided, single submitter. Criteria: ACMG Guidelines, 2015. Collection method: clinical testing. Allele origin: germline. Affected: yes.
Comment: The variant is not observed in the gnomAD v4.1.0 dataset. Predicted Consequence/Location: Frameshift: predicted to result in a loss or disruption of normal protein function through nonsense-mediated decay (NMD) or protein truncation. Multiple pathogenic variants are reported downstream of the variant. Therefore, this variant is classified as Likely pathogenic according to the recommendation of ACMG/AMP guideline.

NM_001348323.3(TRIP12):c.1953_1954insTTTTGTGGCA (p.Leu652fs)

Gene: TRIP12 (thyroid hormone receptor interactor 12; minus strand). Cytogenetic location: 2q36.3.
Variant type: Insertion.
Coding change: c.1953_1954insTTTTGTGGCA on transcript NM_001348323.3 (MANE Select); coding-DNA positions 1953 to 1954, TTTTGTGGCA inserted.
Protein change: p.Leu652fs; shifts the reading frame from leucine 652.
Molecular consequence: frameshift variant.
Genome position: GRCh38 VCF-style: chr2-229813902-G-GTGCCACAAAA. GRCh37 (hg19) VCF-style: chr2-230678618-G-GTGCCACAAAA.
Other names: c.1953_1954insTTTTGTGGCA, p.Leu652fs (NM_001284214.2, NM_001348315.2, NM_001348319.1 and 11 more transcripts); c.1827_1828insTTTTGTGGCA, p.Leu610fs (NM_001284215.2, NM_001348316.2, NM_001348317.1 and 2 more transcripts); c.918_919insTTTTGTGGCA, p.Leu307fs (NM_001284216.2); c.1866_1867insTTTTGTGGCA, p.Leu623fs (NM_001348332.1); c.1809_1810insTTTTGTGGCA, p.Leu604fs (NM_004238.3); short protein forms L307fs, L604fs, L610fs, L623fs, L652fs.
Identifiers: ClinVar variation 4856120 (VCV004856120.1).